The following is an entry in ClinVar:

NM_004944.4(DNASE1L3):c.730G>A (p.Val244Ile)

Gene: DNASE1L3 (deoxyribonuclease 1L3; minus strand). Cytogenetic location: 3p14.3.
Variant type: single nucleotide variant.
Coding change: c.730G>A on transcript NM_004944.4 (MANE Select); coding-DNA position 730, G replaced by A.
Protein change: p.Val244Ile; replaces valine 244 with isoleucine.
Molecular consequence: missense variant.
Genome position (GRCh38, 1-based): chr3:58,193,414, C>T on the plus strand (G>A on the coding strand, the complement: DNASE1L3 is on the minus strand). VCF-style: chr3-58193414-C-T. GRCh37 (hg19) VCF-style: chr3-58179141-C-T.
Other names: c.640G>A, p.Val214Ile (NM_001256560.2); short protein forms V244I, V214I.
Identifiers: ClinVar variation 1388385 (VCV001388385.6), dbSNP rs778387758, ClinGen allele CA2469867.
Genomic context (GRCh38, chr3:58,193,414, plus strand): 5'-TCAGCTTGTAAGCTTTCTGGAAGTCAAAAACACTGTTTGACTTGGGAACAACAGAACTGA[C>T]GATTTCTTGTCCTCTAAGCACAATCCTGGAACAAGGGGAGGGAAAACAGTTGTGTTAATC-3'
Protein context (NP_004935.1, residues 234-254): DRIVLRGQEI[Val244Ile]SSVVPKSNSV

ClinVar aggregate classification (germline): Uncertain significance. Review status: criteria provided, multiple submitters, no conflicts (2 of 4 stars). 2 submissions from 2 submitters: Uncertain significance (2). Last evaluated 2024-11-02.

Conditions:
Autosomal systemic lupus erythematosus type 16. Also called: Systemic lupus erythematosus 16. Identifiers: Orphanet 300345, MedGen C3280742, MONDO:0013743, OMIM 614420.

Allele frequency attached by ClinVar (database versions not stated): gnomAD exomes 0.00001 and 0.00002; ExAC 0.00002; TOPMed 0.00002; gnomAD 0.00004 and 0.00005.

Submissions (2):

Labcorp Genetics (formerly Invitae), Labcorp
Classification: Uncertain significance. Last evaluated: 2024-11-02. Review status: criteria provided, single submitter. Criteria: Invitae Variant Classification Sherloc (09022015). Collection method: clinical testing. Allele origin: germline.
Comment: This sequence change replaces valine, which is neutral and non-polar, with isoleucine, which is neutral and non-polar, at codon 244 of the DNASE1L3 protein (p.Val244Ile). This variant is present in population databases (rs778387758, gnomAD 0.005%). This variant has not been reported in the literature in individuals affected with DNASE1L3-related conditions. ClinVar contains an entry for this variant (Variation ID: 1388385). An algorithm developed to predict the effect of missense changes on protein structure and function outputs the following: PolyPhen-2: "Benign". The isoleucine amino acid residue is found in multiple mammalian species, which suggests that this missense change does not adversely affect protein function. In summary, the available evidence is currently insufficient to determine the role of this variant in disease. Therefore, it has been classified as a Variant of Uncertain Significance.

Fulgent Genetics
Classification: Uncertain significance for Autosomal systemic lupus erythematosus type 16. Last evaluated: 2024-01-22. Review status: criteria provided, single submitter. Criteria: ACMG Guidelines, 2015. Collection method: clinical testing. Allele origin: germline.